The following is an entry in ClinVar:

ClinVar aggregate classification (germline): Pathogenic (1 of 4 stars; one submission).

Conditions:
Periodontitis, aggressive. Identifiers: MedGen C0031106, MONDO:0980757.
Papillon-Lefèvre syndrome (PALS). Also called: KERATOSIS PALMOPLANTARIS WITH PERIODONTOPATHIA; Papillon-Lefevre Disease. Identifiers: Orphanet 678, MedGen C0030360, MONDO:0009490, OMIM 245000.
Haim-Munk syndrome (HMS). Also called: COCHIN JEWISH DISORDER; KERATOSIS PALMOPLANTARIS WITH PERIODONTOPATHIA AND ONYCHOGRYPOSIS. Identifiers: Orphanet 2342, MedGen C1855627, MONDO:0009491, OMIM 245010.

Allele frequency attached by ClinVar (database versions not stated): gnomAD exomes below 0.00001.
gnomAD v4.1: 1 of 1,613,982 alleles (0.000062%); highest among the groups gnomAD compares: Non-Finnish European, 0.000085%; no homozygotes.

Submission:

Labcorp Genetics (formerly Invitae), Labcorp
Classification: Pathogenic for Haim-Munk syndrome; Periodontitis, aggressive; Papillon-Lefèvre syndrome. Last evaluated: 2024-01-19. Review status: criteria provided, single submitter. Criteria: Invitae Variant Classification Sherloc (09022015). Collection method: clinical testing. Allele origin: germline.
Comment: This sequence change creates a premature translational stop signal (p.Trp429*) in the CTSC gene. While this is not anticipated to result in nonsense mediated decay, it is expected to disrupt the last 35 amino acid(s) of the CTSC protein. This variant is not present in population databases (gnomAD no frequency). This premature translational stop signal has been observed in individuals with clinical features of CTSC-related conditions (PMID: 10593994, 11106356, 28242153, 29410039). This variant is also known as c.2931G>A (p.Trp343*). For these reasons, this variant has been classified as Pathogenic.

Literature cited by the submitters: PubMed 10593994; PubMed 11106356; PubMed 28242153; PubMed 29410039.

NM_001814.6(CTSC):c.1286G>A (p.Trp429Ter)

Gene: CTSC (cathepsin C; minus strand). Cytogenetic location: 11q14.2.
Variant type: single nucleotide variant.
Coding change: c.1286G>A on transcript NM_001814.6 (MANE Select); coding-DNA position 1286, G replaced by A.
Protein change: p.Trp429Ter; replaces tryptophan 429 with a stop codon.
Molecular consequence: nonsense.
Genome position (GRCh38, 1-based): chr11:88,294,112, C>T on the plus strand (G>A on the coding strand, the complement: CTSC is on the minus strand). VCF-style: chr11-88294112-C-T. GRCh37 (hg19) VCF-style: chr11-88027280-C-T.
Other names: short protein forms W429*.
Identifiers: ClinVar variation 2925487 (VCV002925487.3), dbSNP rs887942959, ClinGen allele CA225416951.